The following is an entry in ClinVar:

ClinVar aggregate classification (germline): Uncertain significance (1 of 4 stars; one submission).

Conditions:
Hereditary cancer-predisposing syndrome. Also called: Neoplastic Syndromes, Hereditary; Tumor predisposition; Hereditary Cancer Syndrome; Hereditary neoplastic syndrome. Identifiers: Orphanet 140162, MedGen C0027672, MeSH D009386, MONDO:0015356.

Submission:

Ambry Genetics
Classification: Uncertain significance for Hereditary cancer-predisposing syndrome. Last evaluated: 2020-12-31. Review status: criteria provided, single submitter. Criteria: Ambry Variant Classification Scheme 2023. Collection method: clinical testing. Allele origin: germline.
Comment: The p.S98G variant (also known as c.292A>G), located in coding exon 3 of the ATM gene, results from an A to G substitution at nucleotide position 292. The serine at codon 98 is replaced by glycine, an amino acid with similar properties. This amino acid position is not well conserved in available vertebrate species. In addition, this alteration is predicted to be tolerated by in silico analysis. Since supporting evidence is limited at this time, the clinical significance of this alteration remains unclear.

NM_000051.4(ATM):c.292A>G (p.Ser98Gly)

Gene: ATM (ATM serine/threonine kinase; plus strand). Cytogenetic location: 11q22.3.
Variant type: single nucleotide variant.
Coding change: c.292A>G on transcript NM_000051.4 (MANE Select); coding-DNA position 292, A replaced by G.
Protein change: p.Ser98Gly; replaces serine 98 with glycine.
Molecular consequence: missense variant.
Genome position (GRCh38, 1-based): chr11:108,229,284, A>G. VCF-style: chr11-108229284-A-G. GRCh37 (hg19) VCF-style: chr11-108100011-A-G.
Other names: c.292A>G, p.Ser98Gly (NM_001351834.2, NM_001351835.2, NM_001351836.2); short protein forms S98G.
Identifiers: ClinVar variation 1797782 (VCV001797782.2), dbSNP rs768318076, ClinGen allele CA382521718.